The following is an entry in ClinVar:

NM_002691.4(POLD1):c.1251A>G (p.Thr417=)

Gene: POLD1 (DNA polymerase delta 1, catalytic subunit; plus strand). Cytogenetic location: 19q13.33.
Variant type: single nucleotide variant.
Coding change: c.1251A>G on transcript NM_002691.4 (MANE Select); coding-DNA position 1251, A replaced by G.
Protein change: p.Thr417=; no amino-acid change (threonine 417 retained).
Molecular consequence: synonymous variant. On other transcripts: non-coding transcript variant (1).
Genome position (GRCh38, 1-based): chr19:50,406,190, A>G. VCF-style: chr19-50406190-A-G. GRCh37 (hg19) VCF-style: chr19-50909447-A-G.
Other names: c.1251A>G, p.Thr417= (NM_001256849.1, NM_001308632.1).
Identifiers: ClinVar variation 760909 (VCV000760909.12), dbSNP rs1601215170, ClinGen allele CA508183830.

ClinVar aggregate classification (germline): Benign/Likely benign. Review status: criteria provided, multiple submitters, no conflicts (2 of 4 stars). 3 submissions from 3 submitters: Benign (1); Likely benign (2). Last evaluated 2025-12-27.

Conditions:
Hereditary cancer-predisposing syndrome. Also called: Hereditary Cancer Syndrome; Hereditary neoplastic syndrome; Neoplastic Syndromes, Hereditary; Tumor predisposition. Identifiers: Orphanet 140162, MedGen C0027672, MeSH D009386, MONDO:0015356.
POLD1-related polyposis and colorectal cancer syndrome (CRCS10). Also called: Colorectal cancer, susceptibility to, 10; Colorectal cancer 10; COLORECTAL CANCER, SUSCEPTIBILITY TO, ON CHROMOSOME 19q. Identifiers: Orphanet 220460, MedGen C2675481, MONDO:0012953, OMIM 612591.

gnomAD v4.1: 1 of 1,613,328 alleles (0.000062%); highest among the groups gnomAD compares: Non-Finnish European, 0.000085%; no homozygotes.

Submissions (3):

Labcorp Genetics (formerly Invitae), Labcorp
Classification: Likely benign for POLD1-related polyposis and colorectal cancer syndrome. Last evaluated: 2025-12-27. Review status: criteria provided, single submitter. Criteria: Invitae Variant Classification Sherloc (09022015). Collection method: clinical testing. Allele origin: germline.

Myriad Genetics, Inc.
Classification: Benign for POLD1-related polyposis and colorectal cancer syndrome. Last evaluated: 2025-02-06. Review status: criteria provided, single submitter. Criteria: Myriad Autosomal Dominant, Autosomal Recessive and X-Linked Classification Criteria (2023). Collection method: clinical testing. Allele origin: unknown.
Comment: This variant is considered benign. This variant is a silent/synonymous amino acid change and it is not expected to impact splicing.

Ambry Genetics
Classification: Likely benign for Hereditary cancer-predisposing syndrome. Last evaluated: 2020-09-09. Review status: criteria provided, single submitter. Criteria: Ambry Variant Classification Scheme 2023. Collection method: clinical testing. Allele origin: germline.